The following is an entry in ClinVar:

ClinVar aggregate classification (germline): Uncertain significance (1 of 4 stars; one submission).

gnomAD v4.1: 1 of 1,614,246 alleles (0.000062%); highest among the groups gnomAD compares: Non-Finnish European, 0.000085%; no homozygotes.

Submission:

Labcorp Genetics (formerly Invitae), Labcorp
Classification: Uncertain significance. Last evaluated: 2024-04-24. Review status: criteria provided, single submitter. Criteria: Invitae Variant Classification Sherloc (09022015). Collection method: clinical testing. Allele origin: germline.
Comment: This sequence change replaces serine, which is neutral and polar, with leucine, which is neutral and non-polar, at codon 2234 of the MTOR protein (p.Ser2234Leu). This variant is not present in population databases (gnomAD no frequency). This variant has not been reported in the literature in individuals affected with MTOR-related conditions. Advanced modeling of protein sequence and biophysical properties (such as structural, functional, and spatial information, amino acid conservation, physicochemical variation, residue mobility, and thermodynamic stability) has been performed at Invitae for this missense variant, however the output from this modeling did not meet the statistical confidence thresholds required to predict the impact of this variant on MTOR protein function. In summary, the available evidence is currently insufficient to determine the role of this variant in disease. Therefore, it has been classified as a Variant of Uncertain Significance.

NM_004958.4(MTOR):c.6701C>T (p.Ser2234Leu)

Gene: MTOR (mechanistic target of rapamycin kinase; minus strand). Cytogenetic location: 1p36.22.
Variant type: single nucleotide variant.
Coding change: c.6701C>T on transcript NM_004958.4 (MANE Select); coding-DNA position 6701, C replaced by T.
Protein change: p.Ser2234Leu; replaces serine 2234 with leucine.
Molecular consequence: missense variant.
Genome position (GRCh38, 1-based): chr1:11,122,088, G>A on the plus strand (C>T on the coding strand, the complement: MTOR is on the minus strand). VCF-style: chr1-11122088-G-A. GRCh37 (hg19) VCF-style: chr1-11182145-G-A.
Other names: c.6701C>T, p.Ser2234Leu (NM_001386500.1); c.5453C>T, p.Ser1818Leu (NM_001386501.1); short protein forms S2234L, S1818L.
Identifiers: ClinVar variation 3633472 (VCV003633472.2).